The following is an entry in ClinVar:

ClinVar aggregate classification (germline): Likely benign. Review status: criteria provided, multiple submitters, no conflicts (2 of 4 stars). 2 submissions from 2 submitters: Likely benign (2). Last evaluated 2024-08-23.

Conditions:
Maple syrup urine disease (MSUD). Identifiers: Orphanet 511, MedGen C0024776, MeSH D008375, MONDO:0009563. Disease mechanism: loss of function.

Allele frequency attached by ClinVar (database versions not stated): TOPMed 0.00004.
gnomAD v4.1: 16 of 1,613,700 alleles (0.00099%); highest among the groups gnomAD compares: Admixed American, 0.02%; no homozygotes.

Submissions (2):

Labcorp Genetics (formerly Invitae), Labcorp
Classification: Likely benign for Maple syrup urine disease. Last evaluated: 2024-08-23. Review status: criteria provided, single submitter. Criteria: Invitae Variant Classification Sherloc (09022015). Collection method: clinical testing. Allele origin: germline.

GeneDx
Classification: Likely benign. Last evaluated: 2016-03-08. Review status: criteria provided, single submitter. Criteria: GeneDx Variant Classification (06012015). Collection method: clinical testing. Allele origin: germline. Affected: yes.
Comment: This variant is considered likely benign or benign based on one or more of the following criteria: it is a conservative change, it occurs at a poorly conserved position in the protein, it is predicted to be benign by multiple in silico algorithms, and/or has population frequency not consistent with disease.

NM_183050.4(BCKDHB):c.478-15C>T

Gene: BCKDHB (branched chain keto acid dehydrogenase E1 subunit beta; plus strand). Cytogenetic location: 6q14.1.
Variant type: single nucleotide variant.
Coding change: c.478-15C>T on transcript NM_183050.4 (MANE Select); 15 bases into the intron before coding-DNA position 478, C replaced by T.
Molecular consequence: intron variant.
Genome position (GRCh38, 1-based): chr6:80,168,860, C>T. VCF-style: chr6-80168860-C-T. GRCh37 (hg19) VCF-style: chr6-80878577-C-T.
Other names: c.268-15C>T (NM_001318975.1); c.478-15C>T (NM_000056.5).
Identifiers: ClinVar variation 382965 (VCV000382965.8), dbSNP rs772227275, ClinGen allele CA16605090.
Genomic context (GRCh38, chr6:80,168,860, plus strand): 5'-AGGGAGGAAGAACGGAAGGAGATTGGAAGGGAAGGACTCATTGTGCCATGCCCCGTCTTT[C>T]TTTCTGACCCTCAGATTGTTAATGAAGCTGCCAAGTATCGCTATCGCTCTGGGGATCTTT-3'